The following is an entry in ClinVar:

ClinVar aggregate classification (germline): Uncertain significance. Review status: criteria provided, multiple submitters, no conflicts (2 of 4 stars). 2 submissions from 2 submitters: Uncertain significance (2). Last evaluated 2025-03-26.

gnomAD v4.1: 35 of 1,613,644 alleles (0.0022%); highest among the groups gnomAD compares: South Asian, 0.015%; no homozygotes.

Submissions (2):

Ambry Genetics
Classification: Uncertain significance. Last evaluated: 2025-03-26. Review status: criteria provided, single submitter. Criteria: Ambry Variant Classification Scheme 2023. Collection method: clinical testing. Allele origin: germline.

Labcorp Genetics (formerly Invitae), Labcorp
Classification: Uncertain significance. Last evaluated: 2022-09-07. Review status: criteria provided, single submitter. Criteria: Invitae Variant Classification Sherloc (09022015). Collection method: clinical testing. Allele origin: germline.
Comment: This sequence change replaces alanine, which is neutral and non-polar, with proline, which is neutral and non-polar, at codon 312 of the ZNF341 protein (p.Ala312Pro). This variant is present in population databases (rs140542174, gnomAD 0.02%). This variant has not been reported in the literature in individuals affected with ZNF341-related conditions. Algorithms developed to predict the effect of missense changes on protein structure and function (SIFT, PolyPhen-2, Align-GVGD) all suggest that this variant is likely to be tolerated. In summary, the available evidence is currently insufficient to determine the role of this variant in disease. Therefore, it has been classified as a Variant of Uncertain Significance.

NM_001282933.2(ZNF341):c.955G>C (p.Ala319Pro)

Gene: ZNF341 (zinc finger protein 341; plus strand). Cytogenetic location: 20q11.22.
Variant type: single nucleotide variant.
Coding change: c.955G>C on transcript NM_001282933.2 (MANE Select); coding-DNA position 955, G replaced by C.
Protein change: p.Ala319Pro; replaces alanine 319 with proline.
Molecular consequence: missense variant. On other transcripts: non-coding transcript variant (1).
Genome position (GRCh38, 1-based): chr20:33,758,733, G>C. VCF-style: chr20-33758733-G-C. GRCh37 (hg19) VCF-style: chr20-32346539-G-C.
Other names: c.685G>C, p.Ala229Pro (NM_001282935.2); c.934G>C, p.Ala312Pro (NM_032819.5); c.934G>C (NM_032819.3); short protein forms A319P, A229P, A312P.
Identifiers: ClinVar variation 2174157 (VCV002174157.3), dbSNP rs140542174, ClinGen allele CA9819334.